The following is an entry in ClinVar:

ClinVar aggregate classification (germline): Pathogenic (1 of 4 stars; one submission).

Submission:

Labcorp Genetics (formerly Invitae), Labcorp
Classification: Pathogenic. Last evaluated: 2022-08-31. Review status: criteria provided, single submitter. Criteria: Invitae Variant Classification Sherloc (09022015). Collection method: clinical testing. Allele origin: germline.
Comment: For these reasons, this variant has been classified as Pathogenic. This variant has not been reported in the literature in individuals affected with ACO2-related conditions. This variant is a gross deletion of the genomic region encompassing exon(s) 2 of the ACO2 gene. This deletion is out-of-frame, and is expected to create a premature termination codon and result in an absent or disrupted protein product. Loss-of-function variants in ACO2 are known to be pathogenic (PMID: 30689204, 32519519).

Literature cited by the submitters: PubMed 30689204; PubMed 32519519.

NC_000022.10:g.(?_41895710)_(41895886_?)del

Gene: ACO2 (aconitase 2; plus strand). Cytogenetic location: 22q13.2.
Variant type: Deletion.
Identifiers: ClinVar variation 2423683 (VCV002423683.4).